The following is an entry in ClinVar:

ClinVar aggregate classification (germline): Uncertain significance (1 of 4 stars; one submission).

Allele frequency attached by ClinVar (database versions not stated): TOPMed 0.00002; gnomAD 0.00003; gnomAD exomes 0.00006; ExAC 0.00007.

Submission:

Labcorp Genetics (formerly Invitae), Labcorp
Classification: Uncertain significance. Last evaluated: 2025-07-13. Review status: criteria provided, single submitter. Criteria: Invitae Variant Classification Sherloc (09022015). Collection method: clinical testing. Allele origin: germline.
Comment: This sequence change replaces arginine, which is basic and polar, with cysteine, which is neutral and slightly polar, at codon 864 of the CTR9 protein (p.Arg864Cys). This variant is present in population databases (rs751690001, gnomAD 0.01%). This variant has not been reported in the literature in individuals affected with CTR9-related conditions. ClinVar contains an entry for this variant (Variation ID: 1020746). An algorithm developed to predict the effect of missense changes on protein structure and function (PolyPhen-2) suggests that this variant is likely to be disruptive. In summary, the available evidence is currently insufficient to determine the role of this variant in disease. Therefore, it has been classified as a Variant of Uncertain Significance.

NM_014633.5(CTR9):c.2590C>T (p.Arg864Cys)

Gene: CTR9 (CTR9 component of Paf1/RNA polymerase II complex; plus strand). Cytogenetic location: 11p15.4.
Variant type: single nucleotide variant.
Coding change: c.2590C>T on transcript NM_014633.5 (MANE Select); coding-DNA position 2590, C replaced by T.
Protein change: p.Arg864Cys; replaces arginine 864 with cysteine.
Molecular consequence: missense variant.
Genome position (GRCh38, 1-based): chr11:10,773,136, C>T. VCF-style: chr11-10773136-C-T. GRCh37 (hg19) VCF-style: chr11-10794683-C-T.
Other names: c.2518C>T, p.Arg840Cys (NM_001346279.2); short protein forms R840C, R864C.
Identifiers: ClinVar variation 1020746 (VCV001020746.6), dbSNP rs751690001, ClinGen allele CA5885369.